The following is an entry in ClinVar:

NM_007294.4(BRCA1):c.3096_3098delinsGT (p.Arg1032_Glu1033insTer)

Gene: BRCA1 (BRCA1 DNA repair associated; minus strand). Cytogenetic location: 17q21.31.
Variant type: Indel.
Coding change: c.3096_3098delinsGT on transcript NM_007294.4 (MANE Select); coding-DNA positions 3096 to 3098, AGA replaced by GT.
Protein change: p.Arg1032_Glu1033insTer.
Molecular consequence: frameshift variant. On other transcripts: nonsense (1), intron variant (137).
Genome position (GRCh38, 1-based): chr17:43,092,433-43,092,435, TCT replaced by AC on the plus strand (AGA replaced by GT on the coding strand, the reverse complement: BRCA1 is on the minus strand). VCF-style: chr17-43092433-TCT-AC. GRCh37 (hg19) VCF-style: chr17-41244450-TCT-AC.
Other names: c.2883_2885delinsGT, p.Arg961_Glu962insTer (NM_001407571.1, NM_001407853.1, NM_001407894.1 and 9 more transcripts); c.3096_3098delinsGT, p.Arg1032_Glu1033insTer (NM_001407581.1, NM_001407582.1, NM_001407583.1 and 30 more transcripts); c.3093_3095delinsGT, p.Arg1031_Glu1032insTer (NM_001407587.1, NM_001407590.1, NM_001407591.1 and 22 more transcripts); c.3087_3089delinsGT, p.Arg1029_Glu1030insTer (NM_001407646.1, NM_001407647.1); c.2973_2975delinsGT, p.Arg991_Glu992insTer (NM_001407648.1, NM_001407664.1, NM_001407665.1 and 19 more transcripts); c.2970_2972delinsGT, p.Arg990_Glu991insTer (NM_001407649.1, NM_001407670.1, NM_001407671.1 and 11 more transcripts); c.3018_3020delinsGT, p.Arg1006_Glu1007insTer (NM_001407653.1, NM_001407654.1, NM_001407655.1 and 4 more transcripts); c.3015_3017delinsGT, p.Arg1005_Glu1006insTer (NM_001407659.1, NM_001407660.1, NM_001407661.1 and 1 more transcripts); and 42 more.
Identifiers: ClinVar variation 1192218 (VCV001192218.2), dbSNP rs2154342721, ClinGen allele CA2499224483.

ClinVar aggregate classification (germline): Pathogenic (1 of 4 stars; one submission).

Conditions:
Hereditary breast ovarian cancer syndrome. Also called: Hereditary breast and ovarian cancer syndrome; Breast and ovarian cancer; Hereditary breast and ovarian cancer syndrome (HBOC); Hereditary breast and/or ovarian cancer syndrome; BRCA1- and BRCA2-Associated Hereditary Breast and Ovarian Cancer; Hereditary breast and ovarian cancer. Identifiers: Orphanet 145, MedGen C0677776, MeSH D061325, MONDO:0003582. Disease mechanism: loss of function.

Submission:

Women's Health and Genetics/Laboratory Corporation of America, LabCorp
Classification: Pathogenic for Hereditary breast ovarian cancer syndrome. Last evaluated: 2021-07-07. Review status: criteria provided, single submitter. Criteria: LabCorp Variant Classification Summary - May 2015. Collection method: clinical testing. Allele origin: germline.
Comment: Variant summary: BRCA1 c.3096_3098delinsGT (p.Glu1033X) results in a premature termination codon, predicted to cause a truncation of the encoded protein or absence of the protein due to nonsense mediated decay, which are commonly known mechanisms for disease. Truncations downstream of this position have been classified as pathogenic by our laboratory. The variant was absent in 251142 control chromosomes. To the best of our knowledge, there are no reports of c.3096_3098delinsGT in the literature in individuals affected with Hereditary Breast And Ovarian Cancer Syndrome. However, a different variant, c.3097G>T, which results in the same nonsense protein change (p.1033X) has been reported in several families affected with Hereditary Breast And Ovarian Cancer (e.g. Rebbeck_2018), indicating that the variant is likely associated with disease. To our knowledge, no experimental evidence demonstrating an impact on protein function has been reported. No clinical diagnostic laboratories have submitted clinical-significance assessments for this variant to ClinVar after 2014. Based on the evidence outlined above, the variant was classified as pathogenic.

Literature cited by the submitters: PubMed 16267036; PubMed 29446198.